The following is an entry in ClinVar:

NM_005529.7(HSPG2):c.12181G>C (p.Val4061Leu)

Gene: HSPG2 (heparan sulfate proteoglycan 2; minus strand). Cytogenetic location: 1p36.12.
Variant type: single nucleotide variant.
Coding change: c.12181G>C on transcript NM_005529.7 (MANE Select); coding-DNA position 12181, G replaced by C.
Protein change: p.Val4061Leu; replaces valine 4061 with leucine.
Molecular consequence: missense variant.
Genome position (GRCh38, 1-based): chr1:21,828,891, C>G on the plus strand (G>C on the coding strand, the complement: HSPG2 is on the minus strand). VCF-style: chr1-21828891-C-G. GRCh37 (hg19) VCF-style: chr1-22155384-C-G.
Other names: c.12184G>C, p.Val4062Leu (NM_001291860.2); short protein forms V4061L, V4062L.
Identifiers: ClinVar variation 2769944 (VCV002769944.1), dbSNP rs751181582, ClinGen allele CA338901025.

ClinVar aggregate classification (germline): Uncertain significance (1 of 4 stars; one submission).

gnomAD v4.1: 1 of 1,554,748 alleles (0.000064%); highest among the groups gnomAD compares: Non-Finnish European, 0.000087%; no homozygotes.

Submission:

Labcorp Genetics (formerly Invitae), Labcorp
Classification: Uncertain significance. Last evaluated: 2023-10-31. Review status: criteria provided, single submitter. Criteria: Invitae Variant Classification Sherloc (09022015). Collection method: clinical testing. Allele origin: germline.
Comment: This sequence change replaces valine, which is neutral and non-polar, with leucine, which is neutral and non-polar, at codon 4061 of the HSPG2 protein (p.Val4061Leu). This variant is not present in population databases (gnomAD no frequency). This variant has not been reported in the literature in individuals affected with HSPG2-related conditions. Algorithms developed to predict the effect of missense changes on protein structure and function output the following: SIFT: "Not Available"; PolyPhen-2: "Benign"; Align-GVGD: "Not Available". The leucine amino acid residue is found in multiple mammalian species, which suggests that this missense change does not adversely affect protein function. In summary, the available evidence is currently insufficient to determine the role of this variant in disease. Therefore, it has been classified as a Variant of Uncertain Significance.